The following is an entry in ClinVar:

ClinVar aggregate classification (germline): Uncertain significance (1 of 4 stars; one submission).

Conditions:
Inborn genetic diseases. Identifiers: MedGen C0950123, MeSH D030342.

Submission:

Ambry Genetics
Classification: Uncertain significance for Inborn genetic diseases. Last evaluated: 2026-01-16. Review status: criteria provided, single submitter. Criteria: Ambry Variant Classification Scheme 2023. Collection method: clinical testing. Allele origin: germline.
Comment: The p.E301D variant (also known as c.903G>C), located in coding exon 3 of the SH2B3 gene, results from a G to C substitution at nucleotide position 903. The glutamic acid at codon 301 is replaced by aspartic acid, an amino acid with highly similar properties. This amino acid position is conserved. In addition, this alteration is predicted to be tolerated by in silico analysis. Based on the available evidence, the clinical significance of this variant remains unclear.

NM_005475.3(SH2B3):c.903G>C (p.Glu301Asp)

Gene: SH2B3 (SH2B adaptor protein 3; plus strand). Cytogenetic location: 12q24.12.
Variant type: single nucleotide variant.
Coding change: c.903G>C on transcript NM_005475.3 (MANE Select); coding-DNA position 903, G replaced by C.
Protein change: p.Glu301Asp; replaces glutamic acid 301 with aspartic acid.
Molecular consequence: missense variant.
Genome position (GRCh38, 1-based): chr12:111,447,010, G>C. VCF-style: chr12-111447010-G-C. GRCh37 (hg19) VCF-style: chr12-111884814-G-C.
Other names: c.297G>C, p.Glu99Asp (NM_001291424.1); short protein forms E99D, E301D.
Identifiers: ClinVar variation 4824347 (VCV004824347.1).
Genomic context (GRCh38, chr12:111,447,010, plus strand): 5'-CCGGACAGACATCATCTTTGAGGTGGGAGACGAGCAGCAGCTGAATTCATGGATGGCTGA[G>C]CTCTCGGAGTGCACAGGCCGAGGGTGAGGTCCTGGGCCCTCGTCCCTGGCACCACCTTTG-3'
Protein context (NP_005466.1, residues 291-311): DEQQLNSWMA[Glu301Asp]LSECTGRGLE